The following is an entry in ClinVar:

ClinVar aggregate classification (germline): Likely pathogenic (1 of 4 stars; one submission).

Conditions:
Angelman syndrome (AS). Also called: HAPPY PUPPET SYNDROME. Identifiers: Orphanet 72, MedGen C0162635, MONDO:0007113, OMIM 105830. Disease mechanism: loss of function. Inheritance: AS is caused by disruption of maternally imprinted UBE3A located within the 15q11.2-q13 Angelman syndrome/Prader-Willi syndrome (AS/PWS) region., imprinting disorder.

Submission:

Labcorp Genetics (formerly Invitae), Labcorp
Classification: Likely pathogenic for Angelman syndrome. Last evaluated: 2019-02-26. Review status: criteria provided, single submitter. Criteria: Invitae Variant Classification Sherloc (09022015). Collection method: clinical testing. Allele origin: germline.
Comment: This variant results in a copy number gain of the genomic region encompassing the full coding sequence of the UBE3A gene. The boundaries of this event are unknown as they extend beyond the assayed region for this gene and therefore may encompass additional genes. As the precise location of this event is unknown, it may be in tandem or it may be located elsewhere in the genome. A whole-gene copy number gain of the UBE3A gene has been reported in three family members affected with developmental delay, anxiety and depression (PMID: 25884337). Additionally, much larger copy number variants encompassing UBE3A and multiple adjacent genes have been reported (PMID: 23495136). ClinVar contains an entry for a similar copy number gain (Variation ID: 469569). In summary, the currently available evidence indicates that the variant is pathogenic, but additional data are needed to prove that conclusively. Therefore, this variant has been classified as Likely Pathogenic.

Literature cited by the submitters: PubMed 23495136; PubMed 25884337.

NC_000015.10:g.(?_24566038)_(25781223_?)dup

Genes: PWAR6 (Prader Willi/Angelman region RNA 6; plus strand), PWARSN (Prader Willi/Angelman region RNA, SNRPN neighbor; plus strand), PWRN1 (Prader-Willi region non-protein coding RNA 1; plus strand), SNORD115-1 (small nucleolar RNA, C/D box 115-1; plus strand), ATP10A (ATPase phospholipid transporting 10A (putative); minus strand) and 9 more. Cytogenetic location: 15q11.2-12.
Variant type: Duplication.
Identifiers: ClinVar variation 832161 (VCV000832161.1).